The following is an entry in ClinVar:

ClinVar aggregate classification (germline): Likely benign. Review status: criteria provided, multiple submitters, no conflicts (2 of 4 stars). 2 submissions from 2 submitters: Likely benign (2). Last evaluated 2025-05-01.

Allele frequency attached by ClinVar (database versions not stated): gnomAD 0.00002; gnomAD exomes 0.00002; TOPMed 0.00004; ExAC 0.00005.
gnomAD v4.1: 30 of 1,592,836 alleles (0.0019%); highest among the groups gnomAD compares: Admixed American, 0.0033%; no homozygotes.

Submissions (2):

CeGaT Center for Human Genetics Tuebingen
Classification: Likely benign. Last evaluated: 2025-05-01. Review status: criteria provided, single submitter. Criteria: CeGaT Center For Human Genetics Tuebingen Variant Classification Criteria Version 2. Collection method: clinical testing. Allele origin: germline. Affected: yes. Observed: 1 variant allele.
Comment: COL18A1: BP4, BP7

Labcorp Genetics (formerly Invitae), Labcorp
Classification: Likely benign. Last evaluated: 2025-03-17. Review status: criteria provided, single submitter. Criteria: Invitae Variant Classification Sherloc (09022015). Collection method: clinical testing. Allele origin: germline.

NM_001379500.1(COL18A1):c.3021C>T (p.Ser1007=)

Genes: COL18A1 (collagen type XVIII alpha 1 chain; plus strand), SLC19A1 (solute carrier family 19 member 1; minus strand). Cytogenetic location: 21q22.3.
Variant type: single nucleotide variant.
Coding change: c.3021C>T on transcript NM_001379500.1 (MANE Select); coding-DNA position 3021, C replaced by T.
Protein change: p.Ser1007=; no amino-acid change (serine 1007 retained).
Molecular consequence: synonymous variant.
Genome position (GRCh38, 1-based): chr21:45,505,365, C>T. VCF-style: chr21-45505365-C-T. GRCh37 (hg19) VCF-style: chr21-46925279-C-T.
Other names: c.3552C>T, p.Ser1184= (NM_030582.4); c.4257C>T, p.Ser1419= (NM_130444.3).
Identifiers: ClinVar variation 1594595 (VCV001594595.18), dbSNP rs757099292, ClinGen allele CA10067640.